The following is an entry in ClinVar:

GRCh37/hg19 15q13.3(chr15:31955021-32444857)x1

Gene: CHRNA7 (cholinergic receptor nicotinic alpha 7 subunit). Cytogenetic location: 15q13.3.
Variant type: copy number loss.
Change: copy number 1 (one copy instead of two) of chr15:31,955,021-32,444,857 (489.8 kb, GRCh37 coordinates, 1-based), cytogenetic band 15q13.3.
Identifiers: ClinVar variation 1710519 (VCV001710519.3).

ClinVar aggregate classification (germline): Pathogenic (1 of 4 stars; one submission).

Submission:

Illumina Laboratory Services, Illumina
Classification: Pathogenic. Last evaluated: 2022-01-11. Review status: criteria provided, single submitter. Criteria: ICSL CNVClassificationCriteria Aug2020. Collection method: clinical testing. Allele origin: unknown.
Comment: This CNV is an approximately 490 kb deletion of 15q13.3, (seq[GRCh37]del(15)(q13.3); chr15:g.31955021_32444857del) of unknown inheritance. The distal breakpoint could not be definitively resolved due to poor coverage. This CNV constitutes a loss encompassing two protein coding genes, OTUD7A and CHRNA7. The proximal region of 15q is subject to recurrent copy number changes due to a cluster of low copy repeats, and deletions of this region are associated with 15q13.3 microdeletion syndrome (Deutsch et al. 2016). This CNV has not been reported in controls. Features in individuals with this size deletion are consistent with the syndrome and do not differ from those in individuals with larger events. At least one individual with movement and gait abnormalities and a 15q13.3 microdeletion has been described (Cubells et al. 2011). Based on the collective evidence, this CNV is classified as pathogenic.

Literature cited by the submitters: PubMed 21594999; PubMed 26257138.